The following is an entry in ClinVar:

ClinVar aggregate classification (germline): Likely benign. Review status: criteria provided, single submitter (1 of 4 stars). 2 submissions from 2 submitters: Likely benign (1). 1 of the submissions does not count toward it. Last evaluated 2023-12-03.

Conditions:
MVK-related disorder. Also called: MVK-related condition; MVK-related disorders. Identifiers: MedGen CN239294.
Mevalonic aciduria (MEVA). Identifiers: Orphanet 29, MedGen C1959626, MONDO:0012481, OMIM 610377.
Porokeratosis 3, disseminated superficial actinic type (POROK3). Also called: POROKERATOSIS, DISSEMINATED SUPERFICIAL ACTINIC, 1; POROKERATOSIS 3, MULTIPLE TYPES; POROKERATOSIS 3, MIBELLI TYPE. Identifiers: MedGen C1867981, MONDO:0008293, OMIM 175900.
Hyperimmunoglobulin D with periodic fever (HIDS). Also called: HYPERIMMUNOGLOBULINEMIA D AND PERIODIC FEVER SYNDROME; Hyperimmunoglobulinemia D with periodic fever; Hyperimmunoglobulinemia D. Identifiers: Orphanet 343, MedGen C0398691, MONDO:0009849, OMIM 260920.

Allele frequency attached by ClinVar (database versions not stated): gnomAD exomes 0.00001.
gnomAD v4.1: 9 of 1,614,274 alleles (0.00056%); highest among the groups gnomAD compares: Non-Finnish European, 0.00068%; no homozygotes.

Submissions (2):

Labcorp Genetics (formerly Invitae), Labcorp
Classification: Likely benign for Mevalonic aciduria; Hyperimmunoglobulin D with periodic fever; Porokeratosis 3, disseminated superficial actinic type. Last evaluated: 2023-12-03. Review status: criteria provided, single submitter. Criteria: Invitae Variant Classification Sherloc (09022015). Collection method: clinical testing. Allele origin: germline.

PreventionGenetics, part of Exact Sciences
Classification: Likely benign for MVK-related condition. Last evaluated: 2019-07-01. Review status: no assertion criteria provided. Collection method: clinical testing. Allele origin: germline. Not counted in ClinVar's aggregate classification.
Comment: This variant is classified as likely benign based on ACMG/AMP sequence variant interpretation guidelines (Richards et al. 2015 PMID: 25741868, with internal and published modifications).

NM_000431.4(MVK):c.300C>T (p.Asp100=)

Gene: MVK (mevalonate kinase; plus strand). Cytogenetic location: 12q24.11.
Variant type: single nucleotide variant.
Coding change: c.300C>T on transcript NM_000431.4 (MANE Select); coding-DNA position 300, C replaced by T.
Protein change: p.Asp100=; no amino-acid change (aspartic acid 100 retained).
Molecular consequence: synonymous variant. On other transcripts: 5 prime UTR variant (1), non-coding transcript variant (2).
Genome position (GRCh38, 1-based): chr12:109,579,875, C>T. VCF-style: chr12-109579875-C-T. GRCh37 (hg19) VCF-style: chr12-110017680-C-T.
Other names: c.300C>T (NM_000431.3); c.300C>T, p.Asp100= (NM_001114185.3, NM_001301182.2, NM_001414511.1 and 3 more transcripts); c.-283C>T (NM_001414515.1).
Identifiers: ClinVar variation 2927288 (VCV002927288.5), dbSNP rs1566143811, ClinGen allele CA481713423.
Genomic context (GRCh38, chr12:109,579,875, plus strand): 5'-CACAACACCCACCTCAGAGCAAGTGGAGAAGCTAAAGGAGGTTGCAGGCTTGCCTGACGA[C>T]TGTGCTGTCACCGAGCGCCTGGCTGTGCTGGCCTTTCTTTACTTATACCTGTCCATCTGC-3'
Protein context (NP_000422.1, residues 90-110): KLKEVAGLPD[Asp100=]CAVTERLAVL